The following is an entry in ClinVar:

ClinVar aggregate classification (germline): Pathogenic (1 of 4 stars; one submission).

Conditions:
Familial cancer of breast. Also called: Hereditary breast cancer; BREAST CANCER, FAMILIAL; hereditary breast carcinoma. Identifiers: Orphanet 227535, MedGen C0346153, MONDO:0016419, OMIM 114480. Disease mechanism: loss of function.

Submission:

Labcorp Genetics (formerly Invitae), Labcorp
Classification: Pathogenic for Familial cancer of breast. Last evaluated: 2025-07-22. Review status: criteria provided, single submitter. Criteria: Invitae Variant Classification Sherloc (09022015). Collection method: clinical testing. Allele origin: germline.
Comment: This sequence change creates a premature translational stop signal (p.Ile357Hisfs*42) in the BARD1 gene. It is expected to result in an absent or disrupted protein product. Loss-of-function variants in BARD1 are known to be pathogenic (PMID: 20077502, 21344236). This variant is not present in population databases (gnomAD no frequency). This variant has not been reported in the literature in individuals affected with BARD1-related conditions. ClinVar contains an entry for this variant (Variation ID: 1375539). For these reasons, this variant has been classified as Pathogenic.

Literature cited by the submitters: PubMed 20077502; PubMed 21344236.

NM_000465.4(BARD1):c.1068_1071del (p.Ile357fs)

Gene: BARD1 (BRCA1 associated RING domain 1; minus strand). Cytogenetic location: 2q35.
Variant type: Deletion.
Coding change: c.1068_1071del on transcript NM_000465.4 (MANE Select); coding-DNA positions 1068 to 1071, 4 bases deleted (TATA; older notation c.1068_1071delTATA).
Protein change: p.Ile357fs; shifts the reading frame from isoleucine 357.
Molecular consequence: frameshift variant. On other transcripts: non-coding transcript variant (2), intron variant (3).
Genome position (GRCh38, 1-based): chr2:214,780,803-214,780,806, TATA deleted on the plus strand (TATA on the coding strand, the reverse complement: BARD1 is on the minus strand); deleting any 4 consecutive bases within chr2:214,780,803-214,780,807 gives the same sequence; the c. name uses the placement nearest the transcript's 3' end. VCF-style (leftmost placement, unchanged base first): chr2-214780802-GTATA-G. GRCh37 (hg19) VCF-style: chr2-215645526-GTATA-G.
Other names: c.1011_1014del, p.Ile338fs (NM_001282543.2); c.159-28251_159-28248del (NM_001282548.2); c.215+16255_215+16258del (NM_001282545.2); c.364+11491_364+11494del (NM_001282549.2); short protein forms I357fs, I338fs.
Identifiers: ClinVar variation 1375539 (VCV001375539.7), dbSNP rs2106108885, ClinGen allele CA2573135154.